The following is an entry in ClinVar:

NM_006734.4(HIVEP2):c.2107G>T (p.Val703Leu)

Gene: HIVEP2 (HIVEP zinc finger 2; minus strand). Cytogenetic location: 6q24.2.
Variant type: single nucleotide variant.
Coding change: c.2107G>T on transcript NM_006734.4 (MANE Select); coding-DNA position 2107, G replaced by T.
Protein change: p.Val703Leu; replaces valine 703 with leucine.
Molecular consequence: missense variant.
Genome position (GRCh38, 1-based): chr6:142,772,632, C>A on the plus strand (G>T on the coding strand, the complement: HIVEP2 is on the minus strand). VCF-style: chr6-142772632-C-A. GRCh37 (hg19) VCF-style: chr6-143093769-C-A.
Other names: short protein forms V703L.
Identifiers: ClinVar variation 4056660 (VCV004056660.2).

ClinVar aggregate classification (germline): Uncertain significance. Review status: criteria provided, multiple submitters, no conflicts (2 of 4 stars). 2 submissions from 2 submitters: Uncertain significance (2). Last evaluated 2025-05-01.

Conditions:
Intellectual developmental disorder, autosomal dominant 43. Also called: Intellectual disability, autosomal dominant 43. Identifiers: MedGen C4707429, MONDO:0014858, OMIM 616977.

gnomAD v4.1: 1 of 1,614,236 alleles (0.000062%); highest among the groups gnomAD compares: South Asian, 0.0011%; no homozygotes.

Submissions (2):

Labcorp Genetics (formerly Invitae), Labcorp
Classification: Uncertain significance. Last evaluated: 2025-05-01. Review status: criteria provided, single submitter. Criteria: Invitae Variant Classification Sherloc (09022015). Collection method: clinical testing. Allele origin: germline.
Comment: This sequence change replaces valine, which is neutral and non-polar, with leucine, which is neutral and non-polar, at codon 703 of the HIVEP2 protein (p.Val703Leu). This variant is not present in population databases (gnomAD no frequency). This variant has not been reported in the literature in individuals affected with HIVEP2-related conditions. Invitae Evidence Modeling of protein sequence and biophysical properties (such as structural, functional, and spatial information, amino acid conservation, physicochemical variation, residue mobility, and thermodynamic stability) indicates that this missense variant is not expected to disrupt HIVEP2 protein function with a negative predictive value of 80%. In summary, the available evidence is currently insufficient to determine the role of this variant in disease. Therefore, it has been classified as a Variant of Uncertain Significance.

Laboratorio de Genetica e Diagnostico Molecular, Hospital Israelita Albert Einstein
Classification: Uncertain significance for Intellectual developmental disorder, autosomal dominant 43. Last evaluated: 2022-03-11. Review status: criteria provided, single submitter. Criteria: ACMG Guidelines, 2015. Collection method: clinical testing. Allele origin: germline. Affected: yes.
Comment: ACMG classification criteria: PM2 moderate, BP4 supporting